The following is an entry in ClinVar:

NM_000171.4(GLRA1):c.223A>G (p.Ser75Gly)

Gene: GLRA1 (glycine receptor alpha 1; minus strand). Cytogenetic location: 5q33.1.
Variant type: single nucleotide variant.
Coding change: c.223A>G on transcript NM_000171.4 (MANE Select); coding-DNA position 223, A replaced by G.
Protein change: p.Ser75Gly; replaces serine 75 with glycine.
Molecular consequence: missense variant. On other transcripts: 5 prime UTR variant (1).
Genome position (GRCh38, 1-based): chr5:151,886,750, T>C on the plus strand (A>G on the coding strand, the complement: GLRA1 is on the minus strand). VCF-style: chr5-151886750-T-C. GRCh37 (hg19) VCF-style: chr5-151266311-T-C.
Other names: c.223A>G, p.Ser75Gly (NM_001146040.2); c.-27A>G (NM_001292000.2); short protein forms S75G.
Identifiers: ClinVar variation 4759201 (VCV004759201.1).

ClinVar aggregate classification (germline): Uncertain significance (1 of 4 stars; one submission).

Conditions:
Hereditary hyperekplexia. Identifiers: Orphanet 3197, MedGen C4084968, MONDO:0021022.

gnomAD v4.1: 1 of 1,613,538 alleles (0.000062%); highest among the groups gnomAD compares: Non-Finnish European, 0.000085%; no homozygotes.

Submission:

Labcorp Genetics (formerly Invitae), Labcorp
Classification: Uncertain significance for Hereditary hyperekplexia. Last evaluated: 2025-07-23. Review status: criteria provided, single submitter. Criteria: Invitae Variant Classification Sherloc (09022015). Collection method: clinical testing. Allele origin: germline.
Comment: This sequence change replaces serine, which is neutral and polar, with glycine, which is neutral and non-polar, at codon 75 of the GLRA1 protein (p.Ser75Gly). This variant is not present in population databases (gnomAD no frequency). This variant has not been reported in the literature in individuals affected with GLRA1-related conditions. Invitae Evidence Modeling of protein sequence and biophysical properties (such as structural, functional, and spatial information, amino acid conservation, physicochemical variation, residue mobility, and thermodynamic stability) indicates that this missense variant is not expected to disrupt GLRA1 protein function with a negative predictive value of 80%. In summary, the available evidence is currently insufficient to determine the role of this variant in disease. Therefore, it has been classified as a Variant of Uncertain Significance.